The following is an entry in ClinVar:

NM_001037333.3(CYFIP2):c.3299G>A (p.Arg1100Gln)

Genes: NIPAL4-DT (NIPAL4 divergent transcript; minus strand), CYFIP2 (cytoplasmic FMR1 interacting protein 2; plus strand). Cytogenetic location: 5q33.3.
Variant type: single nucleotide variant.
Coding change: c.3299G>A on transcript NM_001037333.3 (MANE Select); coding-DNA position 3299, G replaced by A.
Protein change: p.Arg1100Gln; replaces arginine 1100 with glutamine.
Molecular consequence: missense variant.
Genome position (GRCh38, 1-based): chr5:157,389,280, G>A. VCF-style: chr5-157389280-G-A. GRCh37 (hg19) VCF-style: chr5-156816288-G-A.
Other names: c.3221G>A, p.Arg1074Gln (NM_001291721.2); c.3374G>A, p.Arg1125Gln (NM_001291722.2); c.3299G>A, p.Arg1100Gln (NM_014376.4); short protein forms R1074Q, R1100Q, R1125Q.
Identifiers: ClinVar variation 1478270 (VCV001478270.8), dbSNP rs745519217, ClinGen allele CA3534329.

ClinVar aggregate classification (germline): Uncertain significance (1 of 4 stars; one submission).

Allele frequency attached by ClinVar (database versions not stated): TOPMed 0.00001; gnomAD exomes 0.00002 and 0.00003; ExAC 0.00003.
gnomAD v4.1: 38 of 1,614,036 alleles (0.0024%); highest among the groups gnomAD compares: South Asian, 0.0077%; no homozygotes.

Submission:

Labcorp Genetics (formerly Invitae), Labcorp
Classification: Uncertain significance. Last evaluated: 2026-02-02. Review status: criteria provided, single submitter. Criteria: Invitae Variant Classification Sherloc (09022015). Collection method: clinical testing. Allele origin: germline.
Comment: This sequence change replaces arginine, which is basic and polar, with glutamine, which is neutral and polar, at codon 1100 of the CYFIP2 protein (p.Arg1100Gln). This variant is present in population databases (rs745519217, gnomAD 0.01%). This variant has not been reported in the literature in individuals affected with CYFIP2-related conditions. ClinVar contains an entry for this variant (Variation ID: 1478270). Experimental studies and prediction algorithms are not available or were not evaluated, and the functional significance of this variant is currently unknown. In summary, the available evidence is currently insufficient to determine the role of this variant in disease. Therefore, it has been classified as a Variant of Uncertain Significance.